The following is an entry in ClinVar:

ClinVar aggregate classification (germline): Pathogenic (1 of 4 stars; one submission).

Conditions:
Methylmalonic aciduria due to methylmalonyl-CoA mutase deficiency (MAMM). Also called: Methylmalonic aciduria, mut type. Identifiers: Orphanet 27, MedGen C1855114, MONDO:0009612, OMIM 251000.

Submission:

Myriad Genetics, Inc.
Classification: Pathogenic for Methylmalonic aciduria due to methylmalonyl-CoA mutase deficiency. Last evaluated: 2024-02-15. Review status: criteria provided, single submitter. Criteria: Myriad Autosomal Dominant, Autosomal Recessive and X-Linked Classification Criteria (2023). Collection method: clinical testing. Allele origin: unknown.
Comment: NM_000255.3(MMUT):c.1190delC(P397Qfs*3) is expected to be pathogenic in the context of methylmalonic acidemia, MMUT-related. This variant is predicted to lead to an abnormal or absent protein product due to the creation of a premature termination codon in MMUT, a gene where loss-of-function variants are known to be pathogenic. Please note: this variant was assessed in the context of healthy population screening.

NM_000255.4(MMUT):c.1190del (p.Pro397fs)

Gene: MMUT (methylmalonyl-CoA mutase; minus strand). Cytogenetic location: 6p12.3.
Variant type: Deletion.
Coding change: c.1190del on transcript NM_000255.4 (MANE Select); coding-DNA position 1190, one base deleted (C; older notation c.1190delC).
Protein change: p.Pro397fs; shifts the reading frame from proline 397.
Molecular consequence: frameshift variant.
Genome position (GRCh38, 1-based): chr6:49,451,608, G deleted on the plus strand (C on the coding strand, the reverse complement: MMUT is on the minus strand); the first of 2 consecutive G bases (chr6:49,451,608-49,451,609); deleting either gives the same sequence. VCF-style (leftmost placement, unchanged base first): chr6-49451607-TG-T. GRCh37 (hg19) VCF-style: chr6-49419320-TG-T.
Other names: short protein forms P397fs.
Identifiers: ClinVar variation 5012744 (VCV005012744.1).